The following is an entry in ClinVar:

ClinVar aggregate classification (germline): Likely benign (0 of 4 stars; one submission).

Conditions:
DROSHA-related disorder. Also called: DROSHA-related condition.

Allele frequency attached by ClinVar (database versions not stated): ESP Exome Variant Server 0.00008; ExAC 0.00019; gnomAD 0.00045; 1000 Genomes Project 0.00080; 1000 Genomes Project 30x 0.00094.

Submission:

PreventionGenetics, part of Exact Sciences
Classification: Likely benign for DROSHA-related condition. Last evaluated: 2023-03-22. Review status: no assertion criteria provided. Collection method: clinical testing. Allele origin: germline.
Comment: This variant is classified as likely benign based on ACMG/AMP sequence variant interpretation guidelines (Richards et al. 2015 PMID: 25741868, with internal and published modifications).

NM_001382508.1(DROSHA):c.2292C>T (p.Pro764=)

Gene: DROSHA (drosha ribonuclease III; minus strand). Cytogenetic location: 5p13.3.
Variant type: single nucleotide variant.
Coding change: c.2292C>T on transcript NM_001382508.1 (MANE Select); coding-DNA position 2292, C replaced by T.
Protein change: p.Pro764=; no amino-acid change (proline 764 retained).
Molecular consequence: synonymous variant.
Genome position (GRCh38, 1-based): chr5:31,468,013, G>A on the plus strand (C>T on the coding strand, the complement: DROSHA is on the minus strand). VCF-style: chr5-31468013-G-A. GRCh37 (hg19) VCF-style: chr5-31468120-G-A.
Other names: c.2181C>T, p.Pro727= (NM_001100412.2); c.2292C>T, p.Pro764= (NM_013235.5).
Identifiers: ClinVar variation 3045422 (VCV003045422.2), dbSNP rs184024980, ClinGen allele CA3217480.